The following is an entry in ClinVar:

NM_007294.4(BRCA1):c.212+1G>T

Gene: BRCA1 (BRCA1 DNA repair associated; minus strand). Cytogenetic location: 17q21.31.
Variant type: single nucleotide variant.
Coding change: c.212+1G>T on transcript NM_007294.4 (MANE Select); the canonical splice donor site of the intron after coding-DNA position 212, G replaced by T.
Molecular consequence: splice donor variant. On other transcripts: intron variant (95).
Genome position (GRCh38, 1-based): chr17:43,106,455, C>A on the plus strand (G>T on the coding strand, the complement: BRCA1 is on the minus strand). VCF-style: chr17-43106455-C-A. GRCh37 (hg19) VCF-style: chr17-41258472-C-A.
Other names: IVS5+1G>T; c.71+1G>T (NM_001408458.1, NM_001407931.1, NM_001407747.1 and 99 more transcripts); c.-218-11595G>T (NM_001407967.1, NM_001407966.1); c.-169-1499G>T (NM_001407959.1, NM_001407962.1, NM_001408512.1 and 4 more transcripts); c.2+23G>T (NM_001407885.1, NM_001407886.1, NM_001407898.1 and 58 more transcripts); c.212+1G>T (NM_001407686.1, NM_001408397.1, NM_001407632.1 and 167 more transcripts); c.81-1499G>T (NM_001408451.1); c.135-1499G>T (NM_001408475.1, NM_001407875.1, NM_001407659.1 and 21 more transcripts).
Identifiers: ClinVar variation 54465 (VCV000054465.31), dbSNP rs80358042, ClinGen allele CA001407.

ClinVar aggregate classification (germline): Pathogenic. Review status: reviewed by expert panel (3 of 4 stars). 15 submissions from 15 submitters: Pathogenic (1). 14 of the submissions do not count toward it. Last evaluated 2019-06-18.

Conditions:
Hereditary cancer-predisposing syndrome. Also called: Tumor predisposition; Neoplastic Syndromes, Hereditary; Hereditary Cancer Syndrome; Hereditary neoplastic syndrome. Identifiers: Orphanet 140162, MedGen C0027672, MeSH D009386, MONDO:0015356.
Hereditary breast ovarian cancer syndrome. Also called: Hereditary breast and ovarian cancer syndrome (HBOC); Hereditary breast and ovarian cancer syndrome; Hereditary breast and ovarian cancer; Hereditary breast and/or ovarian cancer syndrome; Breast and ovarian cancer; BRCA1- and BRCA2-Associated Hereditary Breast and Ovarian Cancer. Identifiers: Orphanet 145, MedGen C0677776, MeSH D061325, MONDO:0003582. Disease mechanism: loss of function.
Breast-ovarian cancer, familial, susceptibility to, 1 (BROVCA1). Also called: OVARIAN CANCER, SUSCEPTIBILITY TO; BRCA1 Hereditary Breast and Ovarian Cancer. Identifiers: Orphanet 145, MedGen C2676676, MONDO:0011450, OMIM 604370. Disease mechanism: loss of function.
Malignant tumor of breast. Also called: Malignant breast neoplasm; Cancer breast. Identifiers: MedGen C0006142, MONDO:0007254. Disease mechanism: loss of function.

gnomAD v4.1: 1 of 1,575,982 alleles (0.000063%); highest among the groups gnomAD compares: Non-Finnish European, 0.000087%; no homozygotes.

Submissions 1 to 8 of 16:

Evidence-based Network for the Interpretation of Germline Mutant Alleles (ENIGMA)
Classification: Pathogenic for Breast-ovarian cancer, familial, susceptibility to, 1. Last evaluated: 2019-06-18. Review status: reviewed by expert panel. Criteria: ENIGMA BRCA1/2 Classification Criteria (2017-06-29). Collection method: curation. Allele origin: germline.
Comment: IARC class based on posterior probability from multifactorial likelihood analysis, thresholds for class as per Plon et al. 2008 (PMID: 18951446). Class 5 based on posterior probability = 0.998791

Labcorp Genetics (formerly Invitae), Labcorp
Classification: Pathogenic for Hereditary breast ovarian cancer syndrome. Last evaluated: 2025-12-13. Review status: criteria provided, single submitter. Criteria: Invitae Variant Classification Sherloc (09022015). Collection method: clinical testing. Allele origin: germline. Not counted in ClinVar's aggregate classification.
Comment: This sequence change affects a donor splice site in intron 4 of the BRCA1 gene. RNA analysis indicates that disruption of this splice site induces altered splicing and may result in an absent or altered protein product. This variant is not present in population databases (gnomAD no frequency). Disruption of this splice site has been observed in individual(s) with clinical features of BRCA1-related conditions (PMID: 9333265, 11802209, 22516946, 22970155, 26848529). This variant is also known as IVS5+1G>T. ClinVar contains an entry for this variant (Variation ID: 54465). Studies have shown that disruption of this splice site results in activation of a cryptic splice site, and produces a non-functional protein and/or introduces a premature termination codon (PMID: 20215541, 22505045; internal data). For these reasons, this variant has been classified as Pathogenic.

Institute of Immunology and Genetics Kaiserslautern
Classification: Pathogenic for Breast-ovarian cancer, familial, susceptibility to, 1. Last evaluated: 2025-07-31. Review status: criteria provided, single submitter. Criteria: ACMG Guidelines, 2015. Collection method: clinical testing. Allele origin: germline. Affected: yes. Not counted in ClinVar's aggregate classification.
Comment: ACMG Criteria: PVS1, PS4, PM2, PP1, PP3, PP5_M.

Revvity Omics, Revvity
Classification: Pathogenic. Last evaluated: 2025-02-18. Review status: criteria provided, single submitter. Criteria: ACMG Guidelines, 2015. Collection method: clinical testing. Allele origin: germline. Not counted in ClinVar's aggregate classification.

All of Us Research Program, National Institutes of Health
Classification: Pathogenic for Breast-ovarian cancer, familial, susceptibility to, 1. Last evaluated: 2024-01-05. Review status: criteria provided, single submitter. Criteria: ACMG Guidelines, 2015. Collection method: clinical testing. Allele origin: germline. Inheritance: Autosomal dominant inheritance. Observed: 2 variant alleles, 2 heterozygotes. Not counted in ClinVar's aggregate classification.
Comment: The c.212+1G>T variant of the BRCA1 gene is expected to affect mRNA splicing and result in an absent or disrupted protein product. This variant has been reported in multiple individuals with breast, ovarian and/or prostate cancer (PMID: 9333265, 11802209, 22516946, 22970155, 26848529, 28724667, 29752822, 29770616, 30702160). This variant has not been identified in the general population by the Genome Aggregation Database (gnomAD). Truncating variants in BRCA1 are known to be pathogenic (PMID: 21989022, 17661172, 22762150). Therefore, the c.212+1G>T variant of the BRCA1 gene is classified as pathogenic.

This study involves interpretation of variants in research participants for the purpose of population health screening. Participant phenotype was not available at the time of variant classification. Additional details can be found in publication PMID: 35346344, PMCID: PMC8962531

Ambry Genetics
Classification: Pathogenic for Hereditary cancer-predisposing syndrome. Last evaluated: 2023-09-26. Review status: criteria provided, single submitter. Criteria: Ambry Variant Classification Scheme 2023. Collection method: clinical testing. Allele origin: germline. Not counted in ClinVar's aggregate classification.
Comment: The c.212+1G>T intronic pathogenic mutation results from a G to T substitution one nucleotide after coding exon 3 of the BRCA1 gene. This alteration has been identified in many, primarily Chinese, breast and/or ovarian and prostate cancer cohorts (Shattuck-Eidens et al. JAMA. 1997; 278:1243-1250; Choi MC et al. J Gynecol Oncol, 2018 Jul;29:e43; Li JY et al. Int. J. Cancer, 2019 01;144:281-289; Bhaskaran SP et al. Int. J. Cancer, 2019 Aug;145:962-973; Sun J et al. Clin. Cancer Res., 2017 Oct;23:6113-6119; Shi T et al. Int. J. Cancer, 2017 05;140:2051-2059; Leongamornlert D et al. Br. J. Cancer, 2012 May;106:1697-701). RNA experiments have shown that this alteration leads to the use of a cryptic splice donor site 22 nucleotides upstream of the native, leading to an out of frame transcript with a predicted alternate stop codon (Ambry internal data; Meindl et al. Int. J. Cancer. 2002; 97: 472&ndash;480). Close match substitutions at this position have shown the same splice defect (Ambry internal data; Houdayer C et al. Hum. Mutat., 2012 Aug;33:1228-38; Friedman LS et al. Am. J. Hum. Genet., 1995 Dec;57:1284-97; Men&eacute;ndez M et al. Breast Cancer Res. Treat., 2012 Apr;132:979-92Sanz DJ et al. Clin. Cancer Res., 2010 Mar;16:1957-67). This nucleotide position is highly conserved in available vertebrate species. Alterations that disrupt the canonical splice site are expected to cause aberrant splicing, resulting in an abnormal protein or a transcript that is subject to nonsense-mediated mRNA decay. Based on the majority of available evidence to-date, this alteration is classified as a disease-causing mutation.

Color Diagnostics, LLC DBA Color Health
Classification: Pathogenic for Hereditary cancer-predisposing syndrome. Last evaluated: 2021-10-25. Review status: criteria provided, single submitter. Criteria: ACMG Guidelines, 2015. Collection method: clinical testing. Allele origin: germline. Not counted in ClinVar's aggregate classification.
Comment: This variant causes a G to T nucleotide substitution at the +1 position of intron 4 of the BRCA1 gene. RNA studies of this variant and two different SNV that disrupt c.212+1G found aberrant splicing resulting in the deletion of 22 nucleotides from the 3' end of the exon, which is predicted to cause frameshift and nonsense-mediated decay (PMID: 11802209, 23239986). This variant has intermediate impact on BRCA1 function in a haploid human cell proliferation assay (PMID: 30209399). This variant has been reported in individuals affected with breast and ovarian cancer (PMID: 9333265, 11802209, 12442273, 22970155, 28724667, 2975282, 29770616, 33471991; Eniu et al, 2017 poster, Annals of Oncology v43-v67. 10.1093/annonc/mdx362; Gomez-Flores-Ramos et al, 2020, doi: 10.20944/preprints202008.0718.v1; Color internal data) and an individual with prostate cancer (PMID: 22516946). This variant has not been identified in the general population by the Genome Aggregation Database (gnomAD). Loss of BRCA1 function is a known mechanism of disease. Based on the available evidence, this variant is classified as Pathogenic.

GeneKor MSA
Classification: Pathogenic. Last evaluated: 2020-01-01. Review status: criteria provided, single submitter. Criteria: ACMG Guidelines, 2015. Collection method: clinical testing. Allele origin: germline. Not counted in ClinVar's aggregate classification.
Comment: This variant occurs in the first base of intron 4 of the BRCA1 gene. This position is conserved in the human and other genomes and might be involved in mRNA processing. Therefore, this variant is expected to disrupt RNA splicing and likely results in an absent or disrupted protein product. This variant is also known as IVS5+1G>T in the literature. This variant has been reported in the literature in individuals and families with breast and/or ovarian cancer (PMID: 9333265, 11802209) as well as in an individual with prostate cancer (PMID: 22516946). The mutation database ClinVar contains entries for this variant (Variation ID: 54465).